The following is an entry in ClinVar:

NM_001174147.2(LMX1B):c.*1673C>G

Gene: LMX1B (LIM homeobox transcription factor 1 beta; plus strand). Cytogenetic location: 9q33.3.
Variant type: single nucleotide variant.
Coding change: c.*1673C>G on transcript NM_001174147.2 (MANE Select); 1673 bases downstream of the stop codon, C replaced by G.
Molecular consequence: 3 prime UTR variant.
Genome position (GRCh38, 1-based): chr9:126,698,124, C>G. VCF-style: chr9-126698124-C-G. GRCh37 (hg19) VCF-style: chr9-129460403-C-G.
Other names: c.*1673C>G (NM_001174146.2, NM_002316.4).
Identifiers: ClinVar variation 364940 (VCV000364940.5), dbSNP rs191584459, ClinGen allele CA10626396.

ClinVar aggregate classification (germline): Benign (1 of 4 stars; one submission).

Conditions:
Nail-patella syndrome (NPS). Also called: FONG DISEASE; ONYCHOOSTEODYSPLASIA; TURNER-KIESER SYNDROME. Identifiers: Orphanet 2614, MedGen C0027341, MONDO:0008061, OMIM 161200.

Allele frequency attached by ClinVar (database versions not stated): TOPMed 0.00005; 1000 Genomes Project 30x 0.00094; 1000 Genomes Project 0.00120.

Submission:

Illumina Laboratory Services, Illumina
Classification: Benign for Nail-patella syndrome. Last evaluated: 2018-01-13. Review status: criteria provided, single submitter. Criteria: ICSL Variant Classification Criteria 13 December 2019. Collection method: clinical testing. Allele origin: germline.
Comment: This variant was observed in the ICSL laboratory as part of a predisposition screen in an ostensibly healthy population. It had not been previously curated by ICSL or reported in the Human Gene Mutation Database (HGMD: prior to June 1st, 2018), and was therefore a candidate for classification through an automated scoring system. Utilizing variant allele frequency, disease prevalence and penetrance estimates, and inheritance mode, an automated score was calculated to assess if this variant is too frequent to cause the disease. Based on the score and internal cut-off values, a variant classified as benign is not then subjected to further curation. The score for this variant resulted in a classification of benign for this disease.